The following is an entry in ClinVar:

ClinVar aggregate classification (germline): Likely benign (0 of 4 stars; one submission).

Conditions:
NME7-related disorder. Also called: NME7-related condition.

Submission:

PreventionGenetics, part of Exact Sciences
Classification: Likely benign for NME7-related condition. Last evaluated: 2023-08-30. Review status: no assertion criteria provided. Collection method: clinical testing. Allele origin: germline.
Comment: This variant is classified as likely benign based on ACMG/AMP sequence variant interpretation guidelines (Richards et al. 2015 PMID: 25741868, with internal and published modifications).

NM_013330.5(NME7):c.1106_1109dup (p.Phe370fs)

Gene: NME7 (NME/NM23 family member 7; minus strand). Cytogenetic location: 1q24.2.
Variant type: Duplication.
Coding change: c.1106_1109dup on transcript NM_013330.5 (MANE Select); coding-DNA positions 1106 to 1109, 4 bases duplicated (ACTT; older notation c.1106_1109dupACTT).
Protein change: p.Phe370fs; shifts the reading frame from phenylalanine 370.
Molecular consequence: frameshift variant. On other transcripts: non-coding transcript variant (1).
Genome position (GRCh38, 1-based): chr1:169,132,807-169,132,810, AAGT duplicated on the plus strand (ACTT on the coding strand, the reverse complement: NME7 is on the minus strand); duplicating any 4 consecutive bases within chr1:169,132,807-169,132,811 gives the same sequence; the c. name uses the placement nearest the transcript's 3' end. VCF-style (leftmost placement, unchanged base first): chr1-169132806-G-GAAGT. GRCh37 (hg19) VCF-style: chr1-169102044-G-GAAGT.
Other names: c.998_1001dup, p.Phe334fs (NM_197972.3); short protein forms F334fs, F370fs.
Identifiers: ClinVar variation 3052125 (VCV003052125.2), dbSNP rs755143347, ClinGen allele CA1231696.